The following is an entry in ClinVar:

NM_003060.4(SLC22A5):c.420G>A (p.Trp140Ter)

Gene: SLC22A5 (solute carrier family 22 member 5; plus strand). Cytogenetic location: 5q31.1.
Variant type: single nucleotide variant.
Coding change: c.420G>A on transcript NM_003060.4 (MANE Select); coding-DNA position 420, G replaced by A.
Protein change: p.Trp140Ter; replaces tryptophan 140 with a stop codon.
Molecular consequence: nonsense.
Genome position (GRCh38, 1-based): chr5:132,378,404, G>A. VCF-style: chr5-132378404-G-A. GRCh37 (hg19) VCF-style: chr5-131714096-G-A.
Other names: p.Trp140*; c.492G>A, p.Trp164Ter (NM_001308122.2); short protein forms W140*, W164*.
Identifiers: ClinVar variation 1686642 (VCV001686642.5), dbSNP rs2126775665, ClinGen allele CA360803514.

ClinVar aggregate classification (germline): Pathogenic. Review status: criteria provided, multiple submitters, no conflicts (2 of 4 stars). 2 submissions from 2 submitters: Pathogenic (2). Last evaluated 2024-05-06.

Conditions:
Renal carnitine transport defect (CDSP). Also called: Systemic primary carnitine deficiency disease; CARNITINE DEFICIENCY, SYSTEMIC, DUE TO DEFECT IN RENAL REABSORPTION OF CARNITINE; CARNITINE TRANSPORTER, PLASMA-MEMBRANE, DEFICIENCY OF; CARNITINE UPTAKE DEFECT; Primary carnitine deficiency; Systemic primary carnitine deficiency. Identifiers: Orphanet 158, MedGen C0342788, MONDO:0008919, OMIM 212140.

Submissions (2):

Myriad Genetics, Inc.
Classification: Pathogenic for Renal carnitine transport defect. Last evaluated: 2024-05-06. Review status: criteria provided, single submitter. Criteria: Myriad Autosomal Dominant, Autosomal Recessive and X-Linked Classification Criteria (2023). Collection method: clinical testing. Allele origin: unknown.
Comment: NM_003060.3(SLC22A5):c.420G>A(W140*) is expected to be pathogenic in the context of primary carnitine deficiency. This variant is predicted to lead to an abnormal or absent protein product due to the creation of a premature termination codon in SLC22A5, a gene where loss-of-function variants are known to be pathogenic. Please note: this variant was assessed in the context of healthy population screening.

Mayo Clinic Laboratories, Mayo Clinic
Classification: Pathogenic. Last evaluated: 2022-01-05. Review status: criteria provided, single submitter. Criteria: ACMG Guidelines, 2015. Collection method: clinical testing. Allele origin: germline.
Comment: PP4, PM2, PVS1